The following is an entry in ClinVar:

ClinVar aggregate classification (germline): Uncertain significance (1 of 4 stars; one submission).

Submission:

Labcorp Genetics (formerly Invitae), Labcorp
Classification: Uncertain significance. Last evaluated: 2025-05-20. Review status: criteria provided, single submitter. Criteria: Invitae Variant Classification Sherloc (09022015). Collection method: clinical testing. Allele origin: germline.
Comment: This sequence change replaces lysine, which is basic and polar, with threonine, which is neutral and polar, at codon 669 of the COMP protein (p.Lys669Thr). This variant is present in population databases (rs769045091, gnomAD 0.03%). This variant has not been reported in the literature in individuals affected with COMP-related conditions. Invitae Evidence Modeling of protein sequence and biophysical properties (such as structural, functional, and spatial information, amino acid conservation, physicochemical variation, residue mobility, and thermodynamic stability) indicates that this missense variant is not expected to disrupt COMP protein function with a negative predictive value of 80%. In summary, the available evidence is currently insufficient to determine the role of this variant in disease. Therefore, it has been classified as a Variant of Uncertain Significance.

NM_000095.3(COMP):c.2006A>C (p.Lys669Thr)

Gene: COMP (cartilage oligomeric matrix protein; minus strand). Cytogenetic location: 19p13.11.
Variant type: single nucleotide variant.
Coding change: c.2006A>C on transcript NM_000095.3 (MANE Select); coding-DNA position 2006, A replaced by C.
Protein change: p.Lys669Thr; replaces lysine 669 with threonine.
Molecular consequence: missense variant.
Genome position (GRCh38, 1-based): chr19:18,784,272, T>G on the plus strand (A>C on the coding strand, the complement: COMP is on the minus strand). VCF-style: chr19-18784272-T-G. GRCh37 (hg19) VCF-style: chr19-18895082-T-G.
Other names: short protein forms K669T.
Identifiers: ClinVar variation 4769686 (VCV004769686.1).